The following is an entry in ClinVar:

NM_020937.4(FANCM):c.2416A>G (p.Ser806Gly)

Gene: FANCM (FA complementation group M; plus strand). Cytogenetic location: 14q21.2.
Variant type: single nucleotide variant.
Coding change: c.2416A>G on transcript NM_020937.4 (MANE Select); coding-DNA position 2416, A replaced by G.
Protein change: p.Ser806Gly; replaces serine 806 with glycine.
Molecular consequence: missense variant.
Genome position (GRCh38, 1-based): chr14:45,175,170, A>G. VCF-style: chr14-45175170-A-G. GRCh37 (hg19) VCF-style: chr14-45644373-A-G.
Other names: c.2338A>G, p.Ser780Gly (NM_001308133.2); short protein forms S806G, S780G.
Identifiers: ClinVar variation 3848619 (VCV003848619.1).

ClinVar aggregate classification (germline): Uncertain significance (1 of 4 stars; one submission).

Conditions:
Inborn genetic diseases. Identifiers: MedGen C0950123, MeSH D030342.

gnomAD v4.1: 4 of 1,611,176 alleles (0.00025%); highest among the groups gnomAD compares: African/African-American, 0.0027%; no homozygotes.

Submission:

Ambry Genetics
Classification: Uncertain significance for Inborn genetic diseases. Last evaluated: 2025-01-13. Review status: criteria provided, single submitter. Criteria: Ambry Variant Classification Scheme 2023. Collection method: clinical testing. Allele origin: germline.
Comment: The p.S806G variant (also known as c.2416A>G), located in coding exon 14 of the FANCM gene, results from an A to G substitution at nucleotide position 2416. The serine at codon 806 is replaced by glycine, an amino acid with similar properties. This amino acid position is conserved. In addition, this alteration is predicted to be tolerated by in silico analysis. Based on the available evidence, the clinical significance of this variant remains unclear.